The following is an entry in ClinVar:

NM_000350.3(ABCA4):c.3385C>T (p.Arg1129Cys)

Gene: ABCA4 (ATP binding cassette subfamily A member 4; minus strand). Cytogenetic location: 1p22.1.
Variant type: single nucleotide variant.
Coding change: c.3385C>T on transcript NM_000350.3 (MANE Select); coding-DNA position 3385, C replaced by T.
Protein change: p.Arg1129Cys; replaces arginine 1129 with cysteine.
Molecular consequence: missense variant.
Genome position (GRCh38, 1-based): chr1:94,041,346, G>A on the plus strand (C>T on the coding strand, the complement: ABCA4 is on the minus strand). VCF-style: chr1-94041346-G-A. GRCh37 (hg19) VCF-style: chr1-94506902-G-A.
Other names: c.3163C>T, p.Arg1055Cys (NM_001425324.1); short protein forms R1129C, R1055C.
Identifiers: ClinVar variation 298251 (VCV000298251.19), dbSNP rs779426136, ClinGen allele CA957945.
Genomic context (GRCh38, chr1:94,041,346, plus strand): 5'-TCTTCAGGAAGAGTGGGGTGCCTGAGCAGTAGAGCCTTCCCTGGGCAATGATGGCAATGC[G>A]GTCCCCAAGGAGGTCGGCCTCGTCCATGTGGTGAGTGGACATGATGATGGTTCTGCCTGC-3'
Protein context (NP_000341.2, residues 1119-1139): HMDEADLLGD[Arg1129Cys]IAIIAQGRLY

ClinVar aggregate classification (germline): Pathogenic/Likely pathogenic. Review status: criteria provided, multiple submitters, no conflicts (2 of 4 stars). 6 submissions from 6 submitters: Pathogenic (5); Likely pathogenic (1). Last evaluated 2026-10-26.

Conditions:
ABCA4-related disorder. Also called: ABCA4-related condition; ABCA4-related disorders. Identifiers: MedGen CN239167.
Retinal dystrophy. Also called: Inherited retinal dystrophy. Identifiers: Orphanet 71862, MedGen C0854723, MeSH D058499, MONDO:0019118, HP:0000556.
Severe early-childhood-onset retinal dystrophy (STGD1). Also called: Stargardt macular dystrophy; Juvenile onset macular degeneration; Stargardt disease 1; MACULAR DYSTROPHY WITH FLECKS, TYPE 1; STGD. Identifiers: Orphanet 364055, Orphanet 827, MedGen C1855465, MeSH D000080362, MONDO:0009549, OMIM 248200.

Allele frequency attached by ClinVar (database versions not stated): TOPMed 0.00003; gnomAD 0.00002.
gnomAD v4.1: 25 of 1,613,986 alleles (0.0015%); highest among the groups gnomAD compares: Admixed American, 0.0033%; no homozygotes.

Submissions (6):

GeneDx
Classification: Pathogenic. Last evaluated: 2026-10-26. Review status: criteria provided, single submitter. Criteria: GeneDx Variant Classification Process June 2021. Collection method: clinical testing. Allele origin: germline.
Comment: Published functional studies demonstrate a damaging effect on protein function (PMID: 26092729); In silico analysis supports that this missense variant has a deleterious effect on protein structure/function; Not observed at significant frequency in large population cohorts (gnomAD); This variant is associated with the following publications: (PMID: 35120629, 31964843, 9295268, 34426522, 38219857, 40244202, 9973280, 40335823, 31403270, 25283059, 25097241, 11384574, 32845068, 25312043, 33988224, 35076026, 20799350, 26092729, 29925512)

PreventionGenetics, part of Exact Sciences
Classification: Pathogenic for ABCA4-related condition. Last evaluated: 2026-02-18. Review status: criteria provided, single submitter. Criteria: ACMG Guidelines, 2015. Collection method: clinical testing. Allele origin: germline.
Comment: The ABCA4 c.3385C>T variant is predicted to result in the amino acid substitution p.Arg1129Cys. This variant has been reported many times in individual with retinal disease (see for examples: Wang et al. 2014. PubMed ID: 25097241; Duncker et al. 2014. PubMed ID: 25283059; Table S1, Lin et al. 2024. PubMed ID: 38219857). Alternate substitutions of this amino acid residue (p.Arg1129His and p.Arg1129Leu) have also been reported many times in individuals with retinal disease (see for examples: Fujinami et al. 2013. PubMed ID: 23953153; Table S1, Birtel et al. 2018. PubMed ID: 29555955). This variant is present in 0.0033% of alleles in individuals of South Asian descent in gnomAD, and a study of the frequency of this variant in affected individuals versus the general population has classified this variant as having mild/moderate severity (Table S2A, Cornelis et al. 2022. PubMed ID: 35120629). Given the evidence, we interpret this variant as pathogenic.

Labcorp Genetics (formerly Invitae), Labcorp
Classification: Pathogenic. Last evaluated: 2025-09-02. Review status: criteria provided, single submitter. Criteria: Invitae Variant Classification Sherloc (09022015). Collection method: clinical testing. Allele origin: germline.
Comment: This sequence change replaces arginine, which is basic and polar, with cysteine, which is neutral and slightly polar, at codon 1129 of the ABCA4 protein (p.Arg1129Cys). This variant is present in population databases (rs779426136, gnomAD 0.003%). This missense change has been observed in individuals with Stargardt disease or cone dystrophy (PMID: 19074458, 25097241, 25312043, 29925512). ClinVar contains an entry for this variant (Variation ID: 298251). Invitae Evidence Modeling of protein sequence and biophysical properties (such as structural, functional, and spatial information, amino acid conservation, physicochemical variation, residue mobility, and thermodynamic stability) indicates that this missense variant is expected to disrupt ABCA4 protein function with a positive predictive value of 95%. Experimental studies have shown that this missense change affects ABCA4 function (PMID: 26092729). This variant disrupts the p.Arg1129 amino acid residue in ABCA4. Other variant(s) that disrupt this residue have been determined to be pathogenic (PMID: 19074458, 23755871, 27032803, 29114839). This suggests that this residue is clinically significant, and that variants that disrupt this residue are likely to be disease-causing. For these reasons, this variant has been classified as Pathogenic.

SingHealth Duke-NUS Institute of Precision Medicine
Classification: Likely pathogenic for Severe early-childhood-onset retinal dystrophy. Last evaluated: 2025-02-05. Review status: criteria provided, single submitter. Criteria: PRISM ACMG Classification Criteria. Collection method: clinical testing. Allele origin: germline. Affected: yes.
Comment: Variant is located in a mutational hotspot where >50% of variants are pathogenic (PM1). Homozygous allele count in gnomAD exomes and genomes is 0 (PM2). Other variants at this amino acid residue have been classified as pathogenic (PM5, p.Arg1129Gly; p.Arg1129His). REVEL score is 0.868 (PP3_mod)

Blueprint Genetics
Classification: Pathogenic for ABCA4-related disorders. Last evaluated: 2021-10-18. Review status: criteria provided, single submitter. Criteria: ACMG Guidelines, 2015. Collection method: clinical testing. Allele origin: germline. Affected: yes. Observed: 4 variant alleles.

Institute of Human Genetics, Univ. Regensburg, Univ. Regensburg
Classification: Pathogenic for Retinal dystrophy. Last evaluated: 2018-01-01. Review status: criteria provided, single submitter. Criteria: ACMG Guidelines, 2015. Collection method: clinical testing. Allele origin: germline. Affected: yes.

Literature cited by the submitters: PubMed 19074458 (cited by Labcorp Genetics (formerly Invitae), Labcorp); PubMed 25097241 (cited by Labcorp Genetics (formerly Invitae), Labcorp and Institute of Human Genetics, Univ. Regensburg, Univ. Regensburg); PubMed 25312043 (cited by Labcorp Genetics (formerly Invitae), Labcorp); PubMed 29925512 (cited by Labcorp Genetics (formerly Invitae), Labcorp and Institute of Human Genetics, Univ. Regensburg, Univ. Regensburg); PubMed 26092729 (cited by Labcorp Genetics (formerly Invitae), Labcorp and Institute of Human Genetics, Univ. Regensburg, Univ. Regensburg); PubMed 23755871 (cited by Labcorp Genetics (formerly Invitae), Labcorp); PubMed 27032803 (cited by Labcorp Genetics (formerly Invitae), Labcorp); PubMed 29114839 (cited by Labcorp Genetics (formerly Invitae), Labcorp); PubMed 9295268 (cited by Institute of Human Genetics, Univ. Regensburg, Univ. Regensburg); PubMed 25283059 (cited by Institute of Human Genetics, Univ. Regensburg, Univ. Regensburg); PubMed 31964843 (cited by Institute of Human Genetics, Univ. Regensburg, Univ. Regensburg); PubMed 32845068 (cited by Institute of Human Genetics, Univ. Regensburg, Univ. Regensburg); PubMed 34426522 (cited by Institute of Human Genetics, Univ. Regensburg, Univ. Regensburg); PubMed 33988224 (cited by Institute of Human Genetics, Univ. Regensburg, Univ. Regensburg); PubMed 35076026 (cited by Institute of Human Genetics, Univ. Regensburg, Univ. Regensburg).